The following is an entry in ClinVar:

ClinVar aggregate classification (germline): Pathogenic (1 of 4 stars; one submission).

Conditions:
Developmental and epileptic encephalopathy, 37 (DEE37). Also called: Epileptic encephalopathy, early infantile, 37. Identifiers: MedGen C4310770, MONDO:0014859, OMIM 616981.

Submission:

Labcorp Genetics (formerly Invitae), Labcorp
Classification: Pathogenic for Developmental and epileptic encephalopathy, 37. Last evaluated: 2024-06-13. Review status: criteria provided, single submitter. Criteria: Invitae Variant Classification Sherloc (09022015). Collection method: clinical testing. Allele origin: germline.
Comment: This sequence change creates a premature translational stop signal (p.Trp44*) in the FRRS1L gene. It is expected to result in an absent or disrupted protein product. Loss-of-function variants in FRRS1L are known to be pathogenic (PMID: 27236917). The frequency data for this variant in the population databases is considered unreliable, as metrics indicate insufficient coverage at this position in the gnomAD database. This variant has not been reported in the literature in individuals affected with FRRS1L-related conditions. For these reasons, this variant has been classified as Pathogenic.

Literature cited by the submitters: PubMed 27236917.

NM_014334.4(FRRS1L):c.-23G>A

Gene: FRRS1L (ferric chelate reductase 1 like; minus strand). Cytogenetic location: 9q31.3.
Variant type: single nucleotide variant.
Coding change: c.-23G>A on transcript NM_014334.4 (MANE Select); 23 bases upstream of the start codon, G replaced by A.
Molecular consequence: 5 prime UTR variant.
Genome position (GRCh38, 1-based): chr9:109,167,161, C>T on the plus strand (G>A on the coding strand, the complement: FRRS1L is on the minus strand). VCF-style: chr9-109167161-C-T. GRCh37 (hg19) VCF-style: chr9-111929441-C-T.
Identifiers: ClinVar variation 3622710 (VCV003622710.2).